The following is an entry in ClinVar:

NM_001278716.2(FBXL4):c.1241T>C (p.Leu414Pro)

Gene: FBXL4 (F-box and leucine rich repeat protein 4; minus strand). Cytogenetic location: 6q16.1.
Variant type: single nucleotide variant.
Coding change: c.1241T>C on transcript NM_001278716.2 (MANE Select); coding-DNA position 1241, T replaced by C.
Protein change: p.Leu414Pro; replaces leucine 414 with proline.
Molecular consequence: missense variant. On other transcripts: non-coding transcript variant (2).
Genome position (GRCh38, 1-based): chr6:98,899,344, A>G on the plus strand (T>C on the coding strand, the complement: FBXL4 is on the minus strand). VCF-style: chr6-98899344-A-G. GRCh37 (hg19) VCF-style: chr6-99347220-A-G.
Other names: c.1241T>C, p.Leu414Pro (NM_012160.5); short protein forms L414P.
Identifiers: ClinVar variation 3254595 (VCV003254595.2), dbSNP rs2534994689.

ClinVar aggregate classification (germline): Uncertain significance (1 of 4 stars; one submission).

Conditions:
Mitochondrial DNA depletion syndrome 13. Also called: Mitochondrial DNA depletion syndrome 13 (encephalomyopathic type); FBXL4-Related Encephalomyopathic Mitochondrial DNA Depletion Syndrome. Identifiers: Orphanet 369897, MedGen C3809592, MONDO:0014198, OMIM 615471.

Submission:

Victorian Clinical Genetics Services, Murdoch Childrens Research Institute
Classification: Uncertain significance for Mitochondrial DNA depletion syndrome 13. Last evaluated: 2024-09-23. Review status: criteria provided, single submitter. Criteria: ACMG Guidelines, 2015. Collection method: clinical testing. Allele origin: germline. Inheritance: Autosomal recessive inheritance. Affected: yes.
Comment: Based on the classification scheme VCGS_Germline_v1.3.4, this variant is classified as VUS-3B. Following criteria are met: 0102 - Loss of function is a known mechanism of disease in this gene and is associated with mitochondrial DNA depletion syndrome 13 (encephalomyopathic type) (MIM#615471). (I) 0106 - This gene is associated with autosomal recessive disease. (I) 0115 - Variants in this gene are known to have variable expressivity. Affected individuals carrying the same variant have been reported to display clinical variability (PMID: 30804983). (I) 0200 - Variant is predicted to result in a missense amino acid change from leucine to proline. (I) 0251 - This variant is heterozygous. (I) 0301 - Variant is absent from gnomAD (both v2 and v3). (SP) 0309 - An alternative amino acid change at the same position has been observed in gnomAD (v2) (1 heterozygote, 0 homozygotes). (I) 0502 - Missense variant with conflicting in silico predictions and uninformative conservation. (I) 0600 - Variant is located in an annotated leucine rich repeat (NCBI). (I) 0705 - No comparable missense variants have previous evidence for pathogenicity. (I) 0807 - This variant has no previous evidence of pathogenicity. (I) 0905 - No published segregation evidence has been identified for this variant. (I) 1007 - No published functional evidence has been identified for this variant. (I) 1208 - Inheritance information for this variant is not currently available in this individual. (I) Legend: (SP) - Supporting pathogenic, (I) - Information, (SB) - Supporting benign

Literature cited by the submitters: PubMed 30804983.